The following is an entry in ClinVar:

NM_018979.4(WNK1):c.4762C>A (p.Pro1588Thr)

Gene: WNK1 (WNK lysine deficient protein kinase 1; plus strand). Cytogenetic location: 12p13.33.
Variant type: single nucleotide variant.
Coding change: c.4762C>A on transcript NM_018979.4 (MANE Select); coding-DNA position 4762, C replaced by A.
Protein change: p.Pro1588Thr; replaces proline 1588 with threonine.
Molecular consequence: missense variant.
Genome position (GRCh38, 1-based): chr12:885,566, C>A. VCF-style: chr12-885566-C-A. GRCh37 (hg19) VCF-style: chr12-994732-C-A.
Other names: c.5542C>A, p.Pro1848Thr (NM_001184985.2); c.4021C>A, p.Pro1341Thr (NM_014823.3); c.5518C>A, p.Pro1840Thr (NM_213655.5); short protein forms P1341T, P1588T, P1840T, P1848T.
Identifiers: ClinVar variation 2002307 (VCV002002307.4), dbSNP rs767387297, ClinGen allele CA383331876.
Genomic context (GRCh38, chr12:885,566, plus strand): 5'-CATCCTTTGGTCATTCCATCAGTGATAGCTTCTACTCCTATTCTTCCCCAAGCAGCAGGA[C>A]CTACTTCTACACCTTTATTACCCCAAGTACCTAGTATCCCACCCTTGGTACAGCCTGTTG-3'
Protein context (NP_061852.3, residues 1578-1598): STPILPQAAG[Pro1588Thr]TSTPLLPQVP

ClinVar aggregate classification (germline): Uncertain significance (1 of 4 stars; one submission).

Conditions:
Neuropathy, hereditary sensory and autonomic, type 2A (HSAN2A). Also called: ACROOSTEOLYSIS, GIACCAI TYPE; ACROOSTEOLYSIS, NEUROGENIC; MORVAN DISEASE; NEUROPATHY, CONGENITAL SENSORY; NEUROPATHY, HEREDITARY SENSORY RADICULAR, AUTOSOMAL RECESSIVE; NEUROPATHY, HEREDITARY SENSORY, TYPE IIA. Identifiers: Orphanet 970, MedGen C2752089, MONDO:0024309, OMIM 201300.
Pseudohypoaldosteronism type 2C (PHA2C). Also called: Pseudohypoaldosteronism Type IIC. Identifiers: Orphanet 757, Orphanet 88940, MedGen C1840391, MONDO:0013778, OMIM 614492.

Submission:

Labcorp Genetics (formerly Invitae), Labcorp
Classification: Uncertain significance for Neuropathy, hereditary sensory and autonomic, type 2A; Pseudohypoaldosteronism type 2C. Last evaluated: 2022-06-16. Review status: criteria provided, single submitter. Criteria: Invitae Variant Classification Sherloc (09022015). Collection method: clinical testing. Allele origin: germline.
Comment: This sequence change replaces proline, which is neutral and non-polar, with threonine, which is neutral and polar, at codon 1840 of the WNK1 protein (p.Pro1840Thr). This variant is not present in population databases (gnomAD no frequency). In summary, the available evidence is currently insufficient to determine the role of this variant in disease. Therefore, it has been classified as a Variant of Uncertain Significance. Advanced modeling of protein sequence and biophysical properties (such as structural, functional, and spatial information, amino acid conservation, physicochemical variation, residue mobility, and thermodynamic stability) performed at Invitae indicates that this missense variant is not expected to disrupt WNK1 protein function. This variant has not been reported in the literature in individuals affected with WNK1-related conditions.